The following is an entry in ClinVar:

NM_007194.4(CHEK2):c.1096-1_1096delinsCG

Gene: CHEK2 (checkpoint kinase 2; minus strand). Cytogenetic location: 22q12.1.
Variant type: Indel.
Coding change: c.1096-1_1096delinsCG on transcript NM_007194.4 (MANE Select); the canonical splice acceptor site of the intron before coding-DNA position 1096 through coding-DNA position 1096, GA replaced by CG.
Molecular consequence: splice acceptor variant.
Genome position (GRCh38, 1-based): chr22:28,695,873-28,695,874, TC replaced by CG on the plus strand (GA replaced by CG on the coding strand, the reverse complement: CHEK2 is on the minus strand). VCF-style: chr22-28695873-TC-CG. GRCh37 (hg19) VCF-style: chr22-29091861-TC-CG.
Other names: c.433-1_433delinsCG (NM_001437942.1, NM_001257387.3); c.895-1_895delinsCG (NM_001349956.3); c.1009-1_1009delinsCG (NM_145862.3); c.1102-1_1102delinsCG (NM_001438295.1); c.1189-1_1189delinsCG (NM_001438293.1); c.1138-1_1138delinsCG (NM_001438294.1); c.1225-1_1225delinsCG (NM_001005735.3).
Identifiers: ClinVar variation 2119272 (VCV002119272.4), dbSNP rs2517810869, ClinGen allele CA2580099536.

ClinVar aggregate classification (germline): Likely pathogenic (1 of 4 stars; one submission).

Conditions:
Familial cancer of breast. Also called: BREAST CANCER, FAMILIAL; Hereditary breast cancer; hereditary breast carcinoma. Identifiers: Orphanet 227535, MedGen C0346153, MONDO:0016419, OMIM 114480. Disease mechanism: loss of function.

Submission:

Labcorp Genetics (formerly Invitae), Labcorp
Classification: Likely pathogenic for Familial cancer of breast. Last evaluated: 2022-03-29. Review status: criteria provided, single submitter. Criteria: Invitae Variant Classification Sherloc (09022015). Collection method: clinical testing. Allele origin: germline.
Comment: In summary, the currently available evidence indicates that the variant is pathogenic, but additional data are needed to prove that conclusively. Therefore, this variant has been classified as Likely Pathogenic. This variant has not been reported in the literature in individuals affected with CHEK2-related conditions. Information on the frequency of this variant in the gnomAD database is not available, as this variant may be reported differently in the database. This variant results in the deletion of part of exon 11 (c.1096-1_1096delinsCG) of the CHEK2 gene. It is expected to disrupt RNA splicing. Variants that disrupt the donor or acceptor splice site typically lead to a loss of protein function (PMID: 16199547), and loss-of-function variants in CHEK2 are known to be pathogenic (PMID: 21876083, 24713400).

Literature cited by the submitters: PubMed 16199547; PubMed 21876083; PubMed 24713400.